The following is an entry in ClinVar:

NM_024426.6(WT1):c.344C>A (p.Pro115His)

Genes: WT1 (WT1 transcription factor; minus strand), LOC107982234 (WT1/WT1-AS bi-directional promoter region; plus strand). Cytogenetic location: 11p13.
Variant type: single nucleotide variant.
Coding change: c.344C>A on transcript NM_024426.6 (MANE Select); coding-DNA position 344, C replaced by A.
Protein change: p.Pro115His; replaces proline 115 with histidine.
Molecular consequence: missense variant. On other transcripts: non-coding transcript variant (1).
Genome position (GRCh38, 1-based): chr11:32,435,017, G>T on the plus strand (C>A on the coding strand, the complement: WT1 is on the minus strand). VCF-style: chr11-32435017-G-T. GRCh37 (hg19) VCF-style: chr11-32456563-G-T.
Other names: c.344C>A, p.Pro115His (NM_000378.6, NM_024424.5); short protein forms P115H.
Identifiers: ClinVar variation 570963 (VCV000570963.9), dbSNP rs1565001804, ClinGen allele CA379965883.

ClinVar aggregate classification (germline): Conflicting classifications of pathogenicity. Review status: criteria provided, conflicting classifications (1 of 4 stars). 3 submissions from 3 submitters: Uncertain significance (2); Likely benign (1). Last evaluated 2025-02-06.

Conditions:
Frasier syndrome. Identifiers: Orphanet 347, MedGen C0950122, MeSH D052159, MONDO:0007635, OMIM 136680.
Drash syndrome (DDS). Also called: NEPHROPATHY, WILMS TUMOR, AND GENITAL ANOMALIES; WILMS TUMOR AND PSEUDO- OR TRUE HERMAPHRODITISM. Identifiers: Orphanet 220, MedGen C0950121, MONDO:0008682, OMIM 194080.
Wilms tumor 1 (WT1). Also called: Wilms tumor, somatic. Identifiers: Orphanet 654, MedGen CN033288, MONDO:0008679, OMIM 194070.
11p partial monosomy syndrome (WAGR). Also called: WAGR syndrome; WAGR Complex; CHROMOSOME 11p13 DELETION SYNDROME; WAGR Spectrum Disorder. Identifiers: Orphanet 893, MedGen C0206115, MONDO:0008681, OMIM 194072.
Inborn genetic diseases. Identifiers: MedGen C0950123, MeSH D030342.

gnomAD v4.1: 1 of 1,485,310 alleles (0.000067%); no homozygotes.

Submissions (3):

Ambry Genetics
Classification: Likely benign for Inborn genetic diseases. Last evaluated: 2025-02-06. Review status: criteria provided, single submitter. Criteria: Ambry Variant Classification Scheme 2023. Collection method: clinical testing. Allele origin: germline.

Labcorp Genetics (formerly Invitae), Labcorp
Classification: Uncertain significance for Wilms tumor 1; Drash syndrome; 11p partial monosomy syndrome; Frasier syndrome. Last evaluated: 2023-08-06. Review status: criteria provided, single submitter. Criteria: Invitae Variant Classification Sherloc (09022015). Collection method: clinical testing. Allele origin: germline.
Comment: This sequence change replaces proline, which is neutral and non-polar, with histidine, which is basic and polar, at codon 110 of the WT1 protein (p.Pro110His). This variant is not present in population databases (gnomAD no frequency). This variant has not been reported in the literature in individuals affected with WT1-related conditions. ClinVar contains an entry for this variant (Variation ID: 570963). An algorithm developed to predict the effect of missense changes on protein structure and function (PolyPhen-2) suggests that this variant is likely to be disruptive. In summary, the available evidence is currently insufficient to determine the role of this variant in disease. Therefore, it has been classified as a Variant of Uncertain Significance.

All of Us Research Program, National Institutes of Health
Classification: Uncertain significance for Wilms tumor 1. Last evaluated: 2023-05-30. Review status: criteria provided, single submitter. Criteria: ACMG Guidelines, 2015. Collection method: clinical testing. Allele origin: germline. Inheritance: Autosomal dominant inheritance. Observed: 1 variant allele, 1 heterozygote.
Comment: This missense variant replaces proline with histidine at codon 110 of the WT1 protein. Computational prediction suggests that this variant may not impact protein structure and function (internally defined REVEL score threshold <= 0.5, PMID: 27666373). To our knowledge, functional studies have not been reported for this variant. This variant has not been reported in individuals affected with WT1-related disorders in the literature. This variant has not been identified in the general population by the Genome Aggregation Database (gnomAD). The available evidence is insufficient to determine the role of this variant in disease conclusively. Therefore, this variant is classified as a Variant of Uncertain Significance.

This study involves interpretation of variants in research participants for the purpose of population health screening. Participant phenotype was not available at the time of variant classification. Additional details can be found in publication PMID: 35346344, PMCID: PMC8962531